The following is an entry in ClinVar:

NM_201384.3(PLEC):c.854G>A (p.Arg285Gln)

Gene: PLEC (plectin; minus strand). Cytogenetic location: 8q24.3.
Variant type: single nucleotide variant.
Coding change: c.854G>A on transcript NM_201384.3 (MANE Select); coding-DNA position 854, G replaced by A.
Protein change: p.Arg285Gln; replaces arginine 285 with glutamine.
Molecular consequence: missense variant.
Genome position (GRCh38, 1-based): chr8:143,934,901, C>T on the plus strand (G>A on the coding strand, the complement: PLEC is on the minus strand). VCF-style: chr8-143934901-C-T. GRCh37 (hg19) VCF-style: chr8-145009069-C-T.
Other names: c.935G>A, p.Arg312Gln (NM_000445.5); c.812G>A, p.Arg271Gln (NM_201378.4); c.788G>A, p.Arg263Gln (NM_201379.3); c.1265G>A, p.Arg422Gln (NM_201380.4); c.758G>A, p.Arg253Gln (NM_201381.3); c.854G>A, p.Arg285Gln (NM_201382.4); c.866G>A, p.Arg289Gln (NM_201383.3); short protein forms R253Q, R263Q, R271Q, R285Q, R289Q, R312Q, R422Q.
Identifiers: ClinVar variation 93090 (VCV000093090.55), dbSNP rs188076386, ClinGen allele CA146636.

ClinVar aggregate classification (germline): Benign/Likely benign. Review status: criteria provided, multiple submitters, no conflicts (2 of 4 stars). 7 submissions from 7 submitters: Benign (4); Likely benign (3). Last evaluated 2026-01-31.

Conditions:
Epidermolysis bullosa simplex with nail dystrophy (EBS5D). Identifiers: MedGen C4225309, MONDO:0014661, OMIM 616487.
Epidermolysis bullosa simplex 5C, with pyloric atresia (EBS5C). Also called: PLEC-Related Epidermolysis Bullosa with Pyloric Atresia; Epidermolysis bullosa simplex with pyloric atresia; PLEC1-Related Epidermolysis Bullosa with Pyloric Atresia. Identifiers: Orphanet 158684, MedGen C2677349, MONDO:0012807, OMIM 612138.
Epidermolysis bullosa simplex 5B, with muscular dystrophy (EBS5B). Also called: EPIDERMOLYSIS BULLOSA SIMPLEX AND LIMB-GIRDLE MUSCULAR DYSTROPHY; Epidermolysis bullosa simplex with muscular dystrophy. Identifiers: Orphanet 257, MedGen C2931072, MONDO:0009181, OMIM 226670.
Autosomal recessive limb-girdle muscular dystrophy type 2Q (LGMDR17). Also called: MUSCULAR DYSTROPHY, LIMB-GIRDLE, AUTOSOMAL RECESSIVE 17. Identifiers: Orphanet 254361, MedGen C3150989, MONDO:0013390, OMIM 613723.
Epidermolysis bullosa simplex, Ogna type (EBS5A). Also called: Pidermolysis bullosa simplex 5A, Ogna type; EPIDERMOLYSIS BULLOSA SIMPLEX 5A, OGNA TYPE. Identifiers: Orphanet 79401, MedGen C0432317, MONDO:0007555, OMIM 131950.

Allele frequency attached by ClinVar (database versions not stated): gnomAD exomes 0.00100 and 0.00043; 1000 Genomes Project 0.00399; ExAC 0.00121; 1000 Genomes Project 30x 0.00406; gnomAD 0.00411 and 0.00439; TOPMed 0.00455; ESP Exome Variant Server 0.00462.

Submissions (7):

Labcorp Genetics (formerly Invitae), Labcorp
Classification: Benign for Autosomal recessive limb-girdle muscular dystrophy type 2Q; Epidermolysis bullosa simplex, Ogna type; Epidermolysis bullosa simplex with nail dystrophy; Epidermolysis bullosa simplex 5C, with pyloric atresia; Epidermolysis bullosa simplex 5B, with muscular dystrophy. Last evaluated: 2026-01-31. Review status: criteria provided, single submitter. Criteria: Invitae Variant Classification Sherloc (09022015). Collection method: clinical testing. Allele origin: germline.

Mayo Clinic Laboratories, Mayo Clinic
Classification: Benign. Last evaluated: 2025-03-28. Review status: criteria provided, single submitter. Criteria: ACMG Guidelines, 2015. Collection method: clinical testing. Allele origin: germline. Observed: 1 variant allele.
Comment: BA1, BP4_moderate

Blueprint Genetics
Classification: Likely benign. Last evaluated: 2024-10-07. Review status: criteria provided, single submitter. Criteria: ACMG Guidelines, 2015. Collection method: clinical testing. Allele origin: germline.

Athena Diagnostics
Classification: Benign. Last evaluated: 2018-11-14. Review status: criteria provided, single submitter. Criteria: Athena Diagnostics Criteria. Collection method: clinical testing. Allele origin: germline.

GeneDx
Classification: Likely benign. Last evaluated: 2017-07-27. Review status: criteria provided, single submitter. Criteria: GeneDx Variant Classification (06012015). Collection method: clinical testing. Allele origin: germline. Affected: yes.
Comment: This variant is considered likely benign or benign based on one or more of the following criteria: it is a conservative change, it occurs at a poorly conserved position in the protein, it is predicted to be benign by multiple in silico algorithms, and/or has population frequency not consistent with disease.

Eurofins Ntd Llc (ga)
Classification: Benign. Last evaluated: 2013-07-26. Review status: criteria provided, single submitter. Criteria: EGL Classification Definitions 2015. Collection method: clinical testing. Allele origin: germline. Observed: 1 variant allele, 1 heterozygote.

Breakthrough Genomics
Classification: Likely benign. Review status: criteria provided, single submitter. Criteria: ACMG Guidelines, 2015. Collection method: not provided. Allele origin: germline. Inheritance: Autosomal recessive inheritance. Affected: yes.